The following is an entry in ClinVar:

NM_000161.3(GCH1):c.220_223del (p.Ala74fs)

Gene: GCH1 (GTP cyclohydrolase 1; minus strand). Cytogenetic location: 14q22.2.
Variant type: Deletion.
Coding change: c.220_223del on transcript NM_000161.3 (MANE Select); coding-DNA positions 220 to 223, 4 bases deleted (GCCT; older notation c.220_223delGCCT).
Protein change: p.Ala74fs; shifts the reading frame from alanine 74.
Molecular consequence: frameshift variant.
Genome position (GRCh38, 1-based): chr14:54,902,441-54,902,444, AGGC deleted on the plus strand (GCCT on the coding strand, the reverse complement: GCH1 is on the minus strand). VCF-style (leftmost placement, unchanged base first): chr14-54902440-TAGGC-T. GRCh37 (hg19) VCF-style: chr14-55369158-TAGGC-T.
Other names: c.220_223del, p.Ala74fs (NM_001024024.2, NM_001024070.2, NM_001024071.2); short protein forms A74fs.
Identifiers: ClinVar variation 573159 (VCV000573159.6), dbSNP rs1566687321, ClinGen allele CA891843723.

ClinVar aggregate classification (germline): Pathogenic (1 of 4 stars; one submission).

Conditions:
Dystonia 5 (DRD). Also called: Dystonia, DOPA-responsive, with or without hyperphenylalaninemia; GTP Cyclohydrolase 1-Deficient Dopa-Responsive Dystonia; DYSTONIA, PROGRESSIVE, WITH DIURNAL VARIATION; DYSTONIA-PARKINSONISM WITH DIURNAL FLUCTUATION; DYT-GCH1. Identifiers: Orphanet 98808, MedGen C1851920, MONDO:0007495, OMIM 128230.
GTP cyclohydrolase I deficiency. Identifiers: MedGen C0268467, MONDO:0100184.

Submission:

Labcorp Genetics (formerly Invitae), Labcorp
Classification: Pathogenic for GTP cyclohydrolase I deficiency; Dystonia 5. Last evaluated: 2018-05-05. Review status: criteria provided, single submitter. Criteria: Invitae Variant Classification Sherloc (09022015). Collection method: clinical testing. Allele origin: germline.
Comment: For these reasons, this variant has been classified as Pathogenic. Loss-of-function variants in GCH1 are known to be pathogenic (PMID: 19491146). This variant has not been reported in the literature in individuals with GCH1-related disease. This variant is not present in population databases (ExAC no frequency). This sequence change creates a premature translational stop signal (p.Ala74Thrfs*5) in the GCH1 gene. It is expected to result in an absent or disrupted protein product.

Literature cited by the submitters: PubMed 19491146.